The following is an entry in ClinVar:

ClinVar aggregate classification (germline): Uncertain significance (1 of 4 stars; one submission).

Conditions:
Autosomal recessive limb-girdle muscular dystrophy type 2P. Also called: MUSCULAR DYSTROPHY-DYSTROGLYCANOPATHY, LIMB-GIRDLE, DAG1-RELATED; Limb-Girdle Muscular Dystrophy Type 9C; MUSCULAR DYSTROPHY, LIMB-GIRDLE, TYPE 2P. Identifiers: Orphanet 280333, MedGen C4511963, MONDO:0013440, OMIM 613818.
Muscular dystrophy-dystroglycanopathy (congenital with brain and eye anomalies), type A9. Also called: Muscular dystrophy-dystroglycanopathy (congenital with brain and eye anomalies), type a, 9; WALKER-WARBURG SYNDROME OR MUSCLE-EYE BRAIN DISEASE, DAG1-RELATED. Identifiers: Orphanet 370997, Orphanet 899, MedGen C4225291, MONDO:0014683, OMIM 616538.

Allele frequency attached by ClinVar (database versions not stated): gnomAD exomes below 0.00001 and 0.00001; ExAC 0.00001.
gnomAD v4.1: 15 of 1,613,206 alleles (0.00093%); highest among the groups gnomAD compares: Non-Finnish European, 0.0013%; no homozygotes.

Submission:

Labcorp Genetics (formerly Invitae), Labcorp
Classification: Uncertain significance for Autosomal recessive limb-girdle muscular dystrophy type 2P; Muscular dystrophy-dystroglycanopathy (congenital with brain and eye anomalies), type A9. Last evaluated: 2022-07-18. Review status: criteria provided, single submitter. Criteria: Invitae Variant Classification Sherloc (09022015). Collection method: clinical testing. Allele origin: germline.
Comment: This sequence change replaces threonine, which is neutral and polar, with serine, which is neutral and polar, at codon 369 of the DAG1 protein (p.Thr369Ser). This variant is present in population databases (rs780709869, gnomAD 0.0009%). This variant has not been reported in the literature in individuals affected with DAG1-related conditions. ClinVar contains an entry for this variant (Variation ID: 1001257). Algorithms developed to predict the effect of missense changes on protein structure and function are either unavailable or do not agree on the potential impact of this missense change (SIFT: "Tolerated"; PolyPhen-2: "Probably Damaging"; Align-GVGD: "Class C0"). In summary, the available evidence is currently insufficient to determine the role of this variant in disease. Therefore, it has been classified as a Variant of Uncertain Significance.

NM_004393.6(DAG1):c.1106C>G (p.Thr369Ser)

Gene: DAG1 (dystroglycan 1; plus strand). Cytogenetic location: 3p21.31.
Variant type: single nucleotide variant.
Coding change: c.1106C>G on transcript NM_004393.6 (MANE Select); coding-DNA position 1106, C replaced by G.
Protein change: p.Thr369Ser; replaces threonine 369 with serine.
Molecular consequence: missense variant.
Genome position (GRCh38, 1-based): chr3:49,531,617, C>G. VCF-style: chr3-49531617-C-G. GRCh37 (hg19) VCF-style: chr3-49569050-C-G.
Other names: c.1106C>G, p.Thr369Ser (NM_001177640.3, NM_001177641.3, NM_001177642.3 and 9 more transcripts); short protein forms T369S.
Identifiers: ClinVar variation 1001257 (VCV001001257.5), dbSNP rs780709869, ClinGen allele CA2399014.
Genomic context (GRCh38, chr3:49,531,617, plus strand): 5'-CTCCAACAGAGACCATGGCTCCTCCAGTCAGGGATCCTGTTCCTGGGAAACCCACGGTCA[C>G]CATCCGGACTCGAGGCGCCATTATTCAAACCCCAACCCTAGGCCCCATCCAGCCTACTCG-3'
Protein context (NP_004384.5, residues 359-379): RDPVPGKPTV[Thr369Ser]IRTRGAIIQT